The following is an entry in ClinVar:

ClinVar aggregate classification (germline): Uncertain significance (1 of 4 stars; one submission).

Conditions:
Ataxia-telangiectasia syndrome (AT). Also called: ATAXIA-TELANGIECTASIA, COMPLEMENTATION GROUP A; ATAXIA-TELANGIECTASIA, FRESNO VARIANT; Ataxia-telangiectasia; Ataxia-telangiectasia, complementation group D; AT, COMPLEMENTATION GROUP C; Ataxia-telangiectasia, complementation group E. Identifiers: Orphanet 100, MedGen C0004135, MONDO:0008840, OMIM 208900.

Submission:

Labcorp Genetics (formerly Invitae), Labcorp
Classification: Uncertain significance for Ataxia-telangiectasia syndrome. Last evaluated: 2025-09-15. Review status: criteria provided, single submitter. Criteria: Invitae Variant Classification Sherloc (09022015). Collection method: clinical testing. Allele origin: germline.
Comment: This sequence change replaces alanine, which is neutral and non-polar, with glutamic acid, which is acidic and polar, at codon 2454 of the ATM protein (p.Ala2454Glu). This variant is not present in population databases (gnomAD no frequency). This variant has not been reported in the literature in individuals affected with ATM-related conditions. ClinVar contains an entry for this variant (Variation ID: 855602). Invitae Evidence Modeling of protein sequence and biophysical properties (such as structural, functional, and spatial information, amino acid conservation, physicochemical variation, residue mobility, and thermodynamic stability) indicates that this missense variant is not expected to disrupt ATM protein function with a negative predictive value of 95%. In summary, the available evidence is currently insufficient to determine the role of this variant in disease. Therefore, it has been classified as a Variant of Uncertain Significance.

NM_000051.4(ATM):c.7361C>A (p.Ala2454Glu)

Genes: ATM (ATM serine/threonine kinase; plus strand), C11orf65 (chromosome 11 open reading frame 65; minus strand). Cytogenetic location: 11q22.3.
Variant type: single nucleotide variant.
Coding change: c.7361C>A on transcript NM_000051.4 (MANE Select); coding-DNA position 7361, C replaced by A.
Protein change: p.Ala2454Glu; replaces alanine 2454 with glutamic acid.
Molecular consequence: missense variant. On other transcripts: intron variant (2).
Genome position (GRCh38, 1-based): chr11:108,330,267, C>A. VCF-style: chr11-108330267-C-A. GRCh37 (hg19) VCF-style: chr11-108200994-C-A.
Other names: c.7361C>A, p.Ala2454Glu (NM_001351834.2); c.641-21196G>T (NM_001330368.2); c.*38+4953G>T (NM_001351110.2); short protein forms A2454E.
Identifiers: ClinVar variation 855602 (VCV000855602.10), dbSNP rs2086118064, ClinGen allele CA382559961.
Genomic context (GRCh38, chr11:108,330,267, plus strand): 5'-ATGCAAGATACACAGTAAAGGTTCAGCGAGAGCTGGAGTTGGATGAATTAGCCCTGCGTG[C>A]ACTGAAAGAGGATCGTAAACGCTTCTTATGTAAAGCAGTTGAAAATTATATCAACTGCTT-3'
Protein context (NP_000042.3, residues 2444-2464): ELELDELALR[Ala2454Glu]LKEDRKRFLC